The following is an entry in ClinVar:

NM_006269.2(RP1):c.2017A>G (p.Lys673Glu)

Gene: RP1 (RP1 axonemal microtubule associated; plus strand). Cytogenetic location: 8q12.1.
Variant type: single nucleotide variant.
Coding change: c.2017A>G on transcript NM_006269.2 (MANE Select); coding-DNA position 2017, A replaced by G.
Protein change: p.Lys673Glu; replaces lysine 673 with glutamic acid.
Molecular consequence: missense variant. On other transcripts: intron variant (1).
Genome position (GRCh38, 1-based): chr8:54,625,899, A>G. VCF-style: chr8-54625899-A-G. GRCh37 (hg19) VCF-style: chr8-55538459-A-G.
Other names: c.787+3611A>G (NM_001375654.1); short protein forms K673E.
Identifiers: ClinVar variation 912167 (VCV000912167.10), dbSNP rs766341403, ClinGen allele CA4751466.

ClinVar aggregate classification (germline): Uncertain significance. Review status: criteria provided, multiple submitters, no conflicts (2 of 4 stars). 4 submissions from 4 submitters: Uncertain significance (4). Last evaluated 2024-09-02.

Conditions:
Retinitis pigmentosa (RP). Identifiers: Orphanet 791, MedGen C0035334, MeSH D012174, MONDO:0019200, OMIM 268000. Inheritance: Autosomal dominant, autosomal recessive and X linked inheritance.
Inborn genetic diseases. Identifiers: MedGen C0950123, MeSH D030342.

Allele frequency attached by ClinVar (database versions not stated): gnomAD exomes below 0.00001; ExAC 0.00001.
gnomAD v4.1: 1 of 1,613,892 alleles (0.000062%); no homozygotes.

Submissions (4):

Blueprint Genetics
Classification: Uncertain significance. Last evaluated: 2024-09-02. Review status: criteria provided, single submitter. Criteria: ACMG Guidelines, 2015. Collection method: clinical testing. Allele origin: germline.

Labcorp Genetics (formerly Invitae), Labcorp
Classification: Uncertain significance. Last evaluated: 2023-06-16. Review status: criteria provided, single submitter. Criteria: Invitae Variant Classification Sherloc (09022015). Collection method: clinical testing. Allele origin: germline.
Comment: In summary, the available evidence is currently insufficient to determine the role of this variant in disease. Therefore, it has been classified as a Variant of Uncertain Significance. An algorithm developed to predict the effect of missense changes on protein structure and function (PolyPhen-2) suggests that this variant is likely to be disruptive. ClinVar contains an entry for this variant (Variation ID: 912167). This variant has not been reported in the literature in individuals affected with RP1-related conditions. This variant is present in population databases (rs766341403, gnomAD no frequency). This sequence change replaces lysine, which is basic and polar, with glutamic acid, which is acidic and polar, at codon 673 of the RP1 protein (p.Lys673Glu).

Ambry Genetics
Classification: Uncertain significance for Inborn genetic diseases. Last evaluated: 2021-07-14. Review status: criteria provided, single submitter. Criteria: Ambry Variant Classification Scheme 2023. Collection method: clinical testing. Allele origin: germline.

Illumina Laboratory Services, Illumina
Classification: Uncertain significance for Retinitis pigmentosa. Last evaluated: 2018-01-13. Review status: criteria provided, single submitter. Criteria: ICSL Variant Classification Criteria 13 December 2019. Collection method: clinical testing. Allele origin: germline.